The following is an entry in ClinVar:

NM_001430.5(EPAS1):c.2425C>A (p.Gln809Lys)

Gene: EPAS1 (endothelial PAS domain protein 1; plus strand). Cytogenetic location: 2p21.
Variant type: single nucleotide variant.
Coding change: c.2425C>A on transcript NM_001430.5 (MANE Select); coding-DNA position 2425, C replaced by A.
Protein change: p.Gln809Lys; replaces glutamine 809 with lysine.
Molecular consequence: missense variant.
Genome position (GRCh38, 1-based): chr2:46,382,562, C>A. VCF-style: chr2-46382562-C-A. GRCh37 (hg19) VCF-style: chr2-46609701-C-A.
Other names: short protein forms Q809K.
Identifiers: ClinVar variation 3275732 (VCV003275732.1).

ClinVar aggregate classification (germline): Uncertain significance (1 of 4 stars; one submission).

Conditions:
Inborn genetic diseases. Identifiers: MedGen C0950123, MeSH D030342.

gnomAD v4.1: 1 of 1,614,134 alleles (0.000062%); highest among the groups gnomAD compares: Middle Eastern, 0.016%; no homozygotes.

Submission:

Ambry Genetics
Classification: Uncertain significance for Inborn genetic diseases. Last evaluated: 2024-06-05. Review status: criteria provided, single submitter. Criteria: Ambry Variant Classification Scheme 2023. Collection method: clinical testing. Allele origin: germline.
Comment: The p.Q809K variant (also known as c.2425C>A), located in coding exon 15 of the EPAS1 gene, results from a C to A substitution at nucleotide position 2425. The glutamine at codon 809 is replaced by lysine, an amino acid with similar properties. This amino acid position is conserved. In addition, this alteration is predicted to be tolerated by in silico analysis. Based on the available evidence, the clinical significance of this variant remains unclear.